The following is an entry in ClinVar:

NM_017514.5(PLXNA3):c.1518G>A (p.Pro506=)

Gene: PLXNA3 (plexin A3; plus strand). Cytogenetic location: Xq28.
Variant type: single nucleotide variant.
Coding change: c.1518G>A on transcript NM_017514.5 (MANE Select); coding-DNA position 1518, G replaced by A.
Protein change: p.Pro506=; no amino-acid change (proline 506 retained).
Molecular consequence: synonymous variant.
Genome position (GRCh38, 1-based): chrX:154,463,661, G>A. VCF-style: chrX-154463661-G-A. GRCh37 (hg19) VCF-style: chrX-153692004-G-A.
Identifiers: ClinVar variation 3038345 (VCV003038345.2), dbSNP rs137934756, ClinGen allele CA10564061.

ClinVar aggregate classification (germline): Likely benign (0 of 4 stars; one submission).

Conditions:
PLXNA3-related disorder. Also called: PLXNA3-related condition.

Allele frequency attached by ClinVar (database versions not stated): gnomAD 0.00012; ExAC 0.00027; ESP Exome Variant Server 0.00029.

Submission:

PreventionGenetics, part of Exact Sciences
Classification: Likely benign for PLXNA3-related condition. Last evaluated: 2022-12-20. Review status: no assertion criteria provided. Collection method: clinical testing. Allele origin: germline.
Comment: This variant is classified as likely benign based on ACMG/AMP sequence variant interpretation guidelines (Richards et al. 2015 PMID: 25741868, with internal and published modifications).